The following is an entry in ClinVar:

NM_000091.5(COL4A3):c.2575G>C (p.Gly859Arg)

Genes: COL4A3 (collagen type IV alpha 3 chain; plus strand), MFF-DT (MFF divergent transcript; minus strand). Cytogenetic location: 2q36.3.
Variant type: single nucleotide variant.
Coding change: c.2575G>C on transcript NM_000091.5 (MANE Select); coding-DNA position 2575, G replaced by C.
Protein change: p.Gly859Arg; replaces glycine 859 with arginine.
Molecular consequence: missense variant.
Genome position (GRCh38, 1-based): chr2:227,282,451, G>C. VCF-style: chr2-227282451-G-C. GRCh37 (hg19) VCF-style: chr2-228147167-G-C.
Other names: short protein forms G859R.
Identifiers: ClinVar variation 4072217 (VCV004072217.1).

ClinVar aggregate classification (germline): Likely pathogenic (1 of 4 stars; one submission).

Conditions:
Autosomal dominant Alport syndrome (ATS3A). Also called: Alport syndrome dominant type; Renal failure and sensorineural hearing loss; ALPORT SYNDROME 3A, AUTOSOMAL DOMINANT. Identifiers: Orphanet 63, Orphanet 88918, MedGen C5882663, MONDO:0007086, OMIM 104200.

Submission:

MVZ Medizinische Genetik Mainz
Classification: Likely pathogenic for Autosomal dominant Alport syndrome. Last evaluated: 2025-07-01. Review status: criteria provided, single submitter. Criteria: UK Practice Guidelines For Variant Classification V4 01 2020. Collection method: clinical testing. Allele origin: germline. Inheritance: Autosomal dominant inheritance. Affected: yes. Observed: 1 variant allele.
Comment: ACMG Criteria: PM1_STR,PS1_SUP,PM2_SUP,PP3,PP4